The following is an entry in ClinVar:

ClinVar aggregate classification (germline): Uncertain significance (1 of 4 stars; one submission).

Conditions:
Inborn genetic diseases. Identifiers: MedGen C0950123, MeSH D030342.

Submission:

Ambry Genetics
Classification: Uncertain significance for Inborn genetic diseases. Last evaluated: 2022-03-24. Review status: criteria provided, single submitter. Criteria: Ambry Variant Classification Scheme 2023. Collection method: clinical testing. Allele origin: germline.
Comment: The p.D155V variant (also known as c.464A>T), located in coding exon 4 of the ATR gene, results from an A to T substitution at nucleotide position 464. The aspartic acid at codon 155 is replaced by valine, an amino acid with highly dissimilar properties. This amino acid position is conserved. In addition, this alteration is predicted to be deleterious by in silico analysis. Since supporting evidence is limited at this time, the clinical significance of this alteration remains unclear.

NM_001184.4(ATR):c.464A>T (p.Asp155Val)

Gene: ATR (ATR checkpoint kinase; minus strand). Cytogenetic location: 3q23.
Variant type: single nucleotide variant.
Coding change: c.464A>T on transcript NM_001184.4 (MANE Select); coding-DNA position 464, A replaced by T.
Protein change: p.Asp155Val; replaces aspartic acid 155 with valine.
Molecular consequence: missense variant.
Genome position (GRCh38, 1-based): chr3:142,562,938, T>A on the plus strand (A>T on the coding strand, the complement: ATR is on the minus strand). VCF-style: chr3-142562938-T-A. GRCh37 (hg19) VCF-style: chr3-142281780-T-A.
Other names: c.464A>T, p.Asp155Val (NM_001354579.2); short protein forms D155V.
Identifiers: ClinVar variation 1742167 (VCV001742167.2), dbSNP rs2473429488, ClinGen allele CA354826864.